The following is an entry in ClinVar:

NM_001875.5(CPS1):c.3793C>T (p.Pro1265Ser)

Gene: CPS1 (carbamoyl-phosphate synthase 1; plus strand). Cytogenetic location: 2q34.
Variant type: single nucleotide variant.
Coding change: c.3793C>T on transcript NM_001875.5 (MANE Select); coding-DNA position 3793, C replaced by T.
Protein change: p.Pro1265Ser; replaces proline 1265 with serine.
Molecular consequence: missense variant. On other transcripts: non-coding transcript variant (2).
Genome position (GRCh38, 1-based): chr2:210,660,521, C>T. VCF-style: chr2-210660521-C-T. GRCh37 (hg19) VCF-style: chr2-211525245-C-T.
Other names: c.3793C>T, p.Pro1265Ser (NM_001122633.3, NM_001369257.1); c.3826C>T, p.Pro1276Ser (NM_001369256.1); short protein forms P1265S, P1276S.
Identifiers: ClinVar variation 2413197 (VCV002413197.4), dbSNP rs1463871450, ClinGen allele CA350438482.

ClinVar aggregate classification (germline): Conflicting classifications of pathogenicity. Review status: criteria provided, conflicting classifications (1 of 4 stars). 2 submissions from 2 submitters: Likely pathogenic (1); Uncertain significance (1). Last evaluated 2025-11-05.

Conditions:
Congenital hyperammonemia, type I. Also called: Carbamoyl phosphate synthetase 1 deficiency; Hyperammonemia due to carbamoyl phosphate synthetase 1 deficiency; CPS 1 deficiency; Carbamyl phosphate synthetase (CPS) deficiency; CPS I DEFICIENCY; Carbamoyl-phosphate synthase I deficiency. Identifiers: Orphanet 147, MedGen C4082171, MONDO:0009376, OMIM 237300.

Allele frequency attached by ClinVar (database versions not stated): gnomAD 0.00001.
gnomAD v4.1: 1 of 1,613,960 alleles (0.000062%); highest among the groups gnomAD compares: East Asian, 0.0022%; no homozygotes.

Submissions (2):

Myriad Genetics, Inc.
Classification: Uncertain significance for Congenital hyperammonemia, type I. Last evaluated: 2025-11-05. Review status: criteria provided, single submitter. Criteria: Myriad Autosomal Dominant, Autosomal Recessive and X-Linked Classification Criteria (2023). Collection method: clinical testing. Allele origin: unknown.
Comment: NM_001875.4(CPS1):c.3793C>T(P1265S) is a missense variant classified as a variant of uncertain significance in the context of carbamoylphosphate synthetase I deficiency. P1265S has been observed in cases with relevant disease (PMID: 31749211, 39174957). Relevant functional assessments of this variant are not available in the literature. P1265S has not been observed in referenced population frequency databases. In summary, there is insufficient evidence to classify NM_001875.4(CPS1):c.3793C>T(P1265S) as pathogenic or benign. Please note: this variant was assessed in the context of healthy population screening.

Laboratory of Metabolic Disorders, Peking University First Hospital
Classification: Likely pathogenic for Congenital hyperammonemia, type I. Last evaluated: 2023-01-09. Review status: criteria provided, single submitter. Criteria: ACMG Guidelines, 2015. Collection method: clinical testing. Allele origin: inherited. Affected: yes.

Literature cited by the submitters: PubMed 31749211 (cited by Myriad Genetics, Inc.); PubMed 39174957 (cited by Myriad Genetics, Inc.).